The following is an entry in ClinVar:

NM_000217.3(KCNA1):c.38C>A (p.Ser13Ter)

Genes: KCNA1 (potassium voltage-gated channel subfamily A member 1; plus strand), LOC130007218 (ATAC-STARR-seq lymphoblastoid silent region 4155; plus strand). Cytogenetic location: 12p13.32.
Variant type: single nucleotide variant.
Coding change: c.38C>A on transcript NM_000217.3 (MANE Select); coding-DNA position 38, C replaced by A.
Protein change: p.Ser13Ter; replaces serine 13 with a stop codon.
Molecular consequence: nonsense.
Genome position (GRCh38, 1-based): chr12:4,911,416, C>A. VCF-style: chr12-4911416-C-A. GRCh37 (hg19) VCF-style: chr12-5020582-C-A.
Other names: short protein forms S13*.
Identifiers: ClinVar variation 1348561 (VCV001348561.6), dbSNP rs1253210703, ClinGen allele CA383453664.

ClinVar aggregate classification (germline): Uncertain significance (1 of 4 stars; one submission).

Conditions:
Episodic ataxia type 1 (EA1). Also called: ATAXIA, EPISODIC, WITH MYOKYMIA; MYOKYMIA WITH PERIODIC ATAXIA; PAROXYSMAL ATAXIA WITH NEUROMYOTONIA, HEREDITARY; Episodic ataxia/myokymia syndrome. Identifiers: Orphanet 37612, Orphanet 972, MedGen C1719788, MONDO:0008047, OMIM 160120.

Submission:

Labcorp Genetics (formerly Invitae), Labcorp
Classification: Uncertain significance for Episodic ataxia type 1. Last evaluated: 2023-05-15. Review status: criteria provided, single submitter. Criteria: Invitae Variant Classification Sherloc (09022015). Collection method: clinical testing. Allele origin: germline.
Comment: In summary, the available evidence is currently insufficient to determine the role of this variant in disease. Therefore, it has been classified as a Variant of Uncertain Significance. Experimental studies and prediction algorithms are not available or were not evaluated, and the functional significance of this variant is currently unknown. ClinVar contains an entry for this variant (Variation ID: 1348561). This variant has not been reported in the literature in individuals affected with KCNA1-related conditions. This variant is not present in population databases (gnomAD no frequency). This sequence change creates a premature translational stop signal (p.Ser13*) in the KCNA1 gene. While this is not anticipated to result in nonsense mediated decay, it is expected to disrupt the last 483 amino acid(s) of the KCNA1 protein.